The following is an entry in ClinVar:

ClinVar aggregate classification (germline): not provided (0 of 4 stars; one submission).

Allele frequency attached by ClinVar (database versions not stated): ExAC 0.00001.

Submission:

ITMI
No classification provided. Condition: AllHighlyPenetrant. Last evaluated: 2013-09-19. Review status: no classification provided. Collection method: reference population. Allele origin: germline.
Comment: Please see associated publication for description of ethnicities

Literature cited by the submitters: PubMed 24728327.

NM_003482.4(KMT2D):c.1579C>T (p.Pro527Ser)

Gene: KMT2D (lysine methyltransferase 2D; minus strand). Cytogenetic location: 12q13.12.
Variant type: single nucleotide variant.
Coding change: c.1579C>T on transcript NM_003482.4 (MANE Select); coding-DNA position 1579, C replaced by T.
Protein change: p.Pro527Ser; replaces proline 527 with serine.
Molecular consequence: missense variant.
Genome position (GRCh38, 1-based): chr12:49,052,104, G>A on the plus strand (C>T on the coding strand, the complement: KMT2D is on the minus strand). VCF-style: chr12-49052104-G-A. GRCh37 (hg19) VCF-style: chr12-49445887-G-A.
Other names: short protein forms P527S.
Identifiers: ClinVar variation 134662 (VCV000134662.1), dbSNP rs587778450, ClinGen allele CA160485.
Genomic context (GRCh38, chr12:49,052,104, plus strand): 5'-GGGACAGGGGCGATGCTTCAGGTGGTGGGGATAGAGGCGTCTCAAGTGCAGGAGATGGGG[G>A]TGACTCTTCCGGTGGAGACAAGGGCGACTCCTCCAGTGGAGAAAAAGGTGATGATTCAGG-3'
Protein context (NP_003473.3, residues 517-537): ESPLSPPEES[Pro527Ser]PSPALETPLS